The following is an entry in ClinVar:

ClinVar aggregate classification (germline): Uncertain significance. Review status: criteria provided, multiple submitters, no conflicts (2 of 4 stars). 2 submissions from 2 submitters: Uncertain significance (2). Last evaluated 2024-02-10.

Conditions:
Tumor predisposition syndrome 3 (TPDS3). Also called: Melanoma, cutaneous malignant, susceptibility to, 10; LONG TELOMERE SYNDROME, POT1-RELATED; POT1 Tumor Predisposition; Glioma susceptibility 9. Identifiers: Orphanet 618, MedGen C4014476, MONDO:0014368, OMIM 615848.
Hereditary cancer-predisposing syndrome. Also called: Neoplastic Syndromes, Hereditary; Hereditary neoplastic syndrome; Hereditary Cancer Syndrome; Tumor predisposition. Identifiers: Orphanet 140162, MedGen C0027672, MeSH D009386, MONDO:0015356.

Submissions (2):

Ambry Genetics
Classification: Uncertain significance for Hereditary cancer-predisposing syndrome. Last evaluated: 2024-02-10. Review status: criteria provided, single submitter. Criteria: Ambry Variant Classification Scheme 2023. Collection method: clinical testing. Allele origin: germline.
Comment: The p.D563G variant (also known as c.1688A>G), located in coding exon 14 of the POT1 gene, results from an A to G substitution at nucleotide position 1688. The aspartic acid at codon 563 is replaced by glycine, an amino acid with similar properties. This amino acid position is conserved. In addition, this alteration is predicted to be tolerated by in silico analysis. Based on the available evidence, the clinical significance of this alteration remains unclear.

Labcorp Genetics (formerly Invitae), Labcorp
Classification: Uncertain significance for Tumor predisposition syndrome 3. Last evaluated: 2022-10-27. Review status: criteria provided, single submitter. Criteria: Invitae Variant Classification Sherloc (09022015). Collection method: clinical testing. Allele origin: germline.
Comment: In summary, the available evidence is currently insufficient to determine the role of this variant in disease. Therefore, it has been classified as a Variant of Uncertain Significance. Algorithms developed to predict the effect of missense changes on protein structure and function are either unavailable or do not agree on the potential impact of this missense change (SIFT: "Deleterious"; PolyPhen-2: "Benign"; Align-GVGD: "Class C15"). This variant has not been reported in the literature in individuals affected with POT1-related conditions. This variant is not present in population databases (gnomAD no frequency). This sequence change replaces aspartic acid, which is acidic and polar, with glycine, which is neutral and non-polar, at codon 563 of the POT1 protein (p.Asp563Gly).

NM_015450.3(POT1):c.1688A>G (p.Asp563Gly)

Gene: POT1 (protection of telomeres 1; minus strand). Cytogenetic location: 7q31.33.
Variant type: single nucleotide variant.
Coding change: c.1688A>G on transcript NM_015450.3 (MANE Select); coding-DNA position 1688, A replaced by G.
Protein change: p.Asp563Gly; replaces aspartic acid 563 with glycine.
Molecular consequence: missense variant. On other transcripts: non-coding transcript variant (3).
Genome position (GRCh38, 1-based): chr7:124,825,356, T>C on the plus strand (A>G on the coding strand, the complement: POT1 is on the minus strand). VCF-style: chr7-124825356-T-C. GRCh37 (hg19) VCF-style: chr7-124465410-T-C.
Other names: c.1688A>G (NM_015450.2); c.1295A>G, p.Asp432Gly (NM_001042594.2); short protein forms D563G, D432G.
Identifiers: ClinVar variation 2810118 (VCV002810118.4), dbSNP rs2485338741, ClinGen allele CA369062616.
Genomic context (GRCh38, chr7:124,825,356, plus strand): 5'-ACACTTTTCTGAAGGTCATCATCCATCAGAACTTCTGATGCTGGAATCTGGAAGAATTTG[T>C]CCTTAAAAATGTTTCATGAGAGAAAAAAAAAGGAAATAATATTAATCCTTTTTAATGTTA-3'
Protein context (NP_056265.2, residues 553-573): GVLEAYLMDS[Asp563Gly]KFFQIPASEV